The following is an entry in ClinVar:

ClinVar aggregate classification (germline): Benign. Review status: criteria provided, multiple submitters, no conflicts (2 of 4 stars). 13 submissions from 12 submitters: Benign (10). 3 of the submissions do not count toward it. Last evaluated 2026-05-09.

Conditions:
Type 2 collagenopathy. Identifiers: Orphanet 93421, MedGen C2931073, MONDO:0022800.
Stickler syndrome type 1 (STL1). Also called: STICKLER SYNDROME, MEMBRANOUS VITREOUS TYPE; STICKLER SYNDROME, VITREOUS TYPE 1; ARTHROOPHTHALMOPATHY, HEREDITARY PROGRESSIVE; COL2A1-Related Stickler Syndrome. Identifiers: Orphanet 828, Orphanet 90653, MedGen C2020284, MONDO:0007160, OMIM 108300.

Allele frequency attached by ClinVar (database versions not stated): 1000 Genomes Project 0.02556; 1000 Genomes Project 30x 0.02577; TOPMed 0.04410; gnomAD exomes 0.04541 and 0.06260; ExAC 0.04739; gnomAD 0.04996 and 0.05167; ESP Exome Variant Server 0.05007.
gnomAD v4.1: 98,489 of 1,613,540 alleles (6.1%); highest among the groups gnomAD compares: Non-Finnish European, 7.2%; 3,471 homozygotes.

Submissions (13):

Women's Health and Genetics/Laboratory Corporation of America, LabCorp
Classification: Benign. Last evaluated: 2026-05-09. Review status: criteria provided, single submitter. Criteria: LabCorp Variant Classification Summary - May 2015. Collection method: clinical testing. Allele origin: germline.

Labcorp Genetics (formerly Invitae), Labcorp
Classification: Benign. Last evaluated: 2026-02-04. Review status: criteria provided, single submitter. Criteria: Invitae Variant Classification Sherloc (09022015). Collection method: clinical testing. Allele origin: germline.

ARUP Laboratories, Molecular Genetics and Genomics, ARUP Laboratories
Classification: Benign. Last evaluated: 2025-06-02. Review status: criteria provided, single submitter. Criteria: ARUP Molecular Germline Variant Investigation Process 2024. Collection method: clinical testing. Allele origin: germline.

Blueprint Genetics
Classification: Benign. Last evaluated: 2024-11-27. Review status: criteria provided, single submitter. Criteria: ACMG Guidelines, 2015. Collection method: clinical testing. Allele origin: germline.

Mayo Clinic Laboratories, Mayo Clinic
Classification: Benign. Last evaluated: 2021-02-22. Review status: criteria provided, single submitter. Criteria: ACMG Guidelines, 2015. Collection method: clinical testing. Allele origin: germline. Observed: 23 variant alleles.

Illumina Laboratory Services, Illumina
Classification: Benign for Stickler syndrome type 1. Last evaluated: 2018-01-12. Review status: criteria provided, single submitter. Criteria: ICSL Variant Classification Criteria 13 December 2019. Collection method: clinical testing. Allele origin: germline.
Comment: This variant was observed in the ICSL laboratory as part of a predisposition screen in an ostensibly healthy population. It had not been previously curated by ICSL or reported in the Human Gene Mutation Database (HGMD: prior to June 1st, 2018), and was therefore a candidate for classification through an automated scoring system. Utilizing variant allele frequency, disease prevalence and penetrance estimates, and inheritance mode, an automated score was calculated to assess if this variant is too frequent to cause the disease. Based on the score and internal cut-off values, a variant classified as benign is not then subjected to further curation. The score for this variant resulted in a classification of benign for this disease.

Illumina Laboratory Services, Illumina
Classification: Benign for Type II Collagenopathies. Last evaluated: 2018-01-12. Review status: criteria provided, single submitter. Criteria: ICSL Variant Classification Criteria 13 December 2019. Collection method: clinical testing. Allele origin: germline.
Comment: the same text as in the submission from Illumina Laboratory Services, Illumina above.

GeneDx
Classification: Benign. Last evaluated: 2016-04-08. Review status: criteria provided, single submitter. Criteria: GeneDx Variant Classification (06012015). Collection method: clinical testing. Allele origin: germline. Affected: yes.
Comment: This variant is considered likely benign or benign based on one or more of the following criteria: it is a conservative change, it occurs at a poorly conserved position in the protein, it is predicted to be benign by multiple in silico algorithms, and/or has population frequency not consistent with disease.

Breakthrough Genomics
Classification: Benign. Review status: criteria provided, single submitter. Criteria: ACMG Guidelines, 2015. Collection method: not provided. Allele origin: germline. Inheritance: Autosomal dominant inheritance. Affected: yes.

PreventionGenetics, part of Exact Sciences
Classification: Benign. Review status: criteria provided, single submitter. Criteria: ACMG Guidelines, 2015. Collection method: clinical testing. Allele origin: germline.

Genome Diagnostics Laboratory, Amsterdam University Medical Center
Classification: Benign. Review status: no assertion criteria provided. Collection method: clinical testing. Allele origin: germline. Affected: yes. Study: VKGL Data-share Consensus. Not counted in ClinVar's aggregate classification.

Joint Genome Diagnostic Labs from Nijmegen and Maastricht, Radboudumc and MUMC+
Classification: Benign. Review status: no assertion criteria provided. Collection method: clinical testing. Allele origin: germline. Affected: yes. Study: VKGL Data-share Consensus. Not counted in ClinVar's aggregate classification.

Laboratory of Diagnostic Genome Analysis, Leiden University Medical Center (LUMC)
Classification: Benign. Review status: no assertion criteria provided. Collection method: clinical testing. Allele origin: germline. Affected: yes. Study: VKGL Data-share Consensus. Not counted in ClinVar's aggregate classification.

NM_001844.5(COL2A1):c.2094+7A>G

Gene: COL2A1 (collagen type II alpha 1 chain; minus strand). Cytogenetic location: 12q13.11.
Variant type: single nucleotide variant.
Coding change: c.2094+7A>G on transcript NM_001844.5 (MANE Select); 7 bases into the intron after coding-DNA position 2094, A replaced by G.
Molecular consequence: intron variant.
Genome position (GRCh38, 1-based): chr12:47,983,086, T>C on the plus strand (A>G on the coding strand, the complement: COL2A1 is on the minus strand). VCF-style: chr12-47983086-T-C. GRCh37 (hg19) VCF-style: chr12-48376869-T-C.
Other names: p.?; c.1887+7A>G (NM_033150.3).
Identifiers: ClinVar variation 258223 (VCV000258223.34), dbSNP rs17801742, ClinGen allele CA6535246.